The following is an entry in ClinVar:

NM_000062.3(SERPING1):c.700del (p.Asp234fs)

Gene: SERPING1 (serpin family G member 1; plus strand). Cytogenetic location: 11q12.1.
Variant type: Deletion.
Coding change: c.700del on transcript NM_000062.3 (MANE Select); coding-DNA position 700, one base deleted (G; older notation c.700delG).
Protein change: p.Asp234fs; shifts the reading frame from aspartic acid 234.
Molecular consequence: frameshift variant.
Genome position (GRCh38, 1-based): chr11:57,606,024, G deleted; the last of 3 consecutive G bases (chr11:57,606,022-57,606,024); deleting any one gives the same sequence. VCF-style (leftmost placement, unchanged base first): chr11-57606021-AG-A. GRCh37 (hg19) VCF-style: chr11-57373494-AG-A.
Other names: c.700del, p.Asp234fs (NM_001032295.2); short protein forms D234fs.
Identifiers: ClinVar variation 3721936 (VCV003721936.2).

ClinVar aggregate classification (germline): Pathogenic (1 of 4 stars; one submission).

Submission:

Labcorp Genetics (formerly Invitae), Labcorp
Classification: Pathogenic. Last evaluated: 2024-09-30. Review status: criteria provided, single submitter. Criteria: Invitae Variant Classification Sherloc (09022015). Collection method: clinical testing. Allele origin: germline.
Comment: This sequence change creates a premature translational stop signal (p.Asp234Thrfs*4) in the SERPING1 gene. It is expected to result in an absent or disrupted protein product. Loss-of-function variants in SERPING1 are known to be pathogenic (PMID: 11112899, 24456027). This variant is not present in population databases (gnomAD no frequency). This variant has not been reported in the literature in individuals affected with SERPING1-related conditions. For these reasons, this variant has been classified as Pathogenic.

Literature cited by the submitters: PubMed 11112899; PubMed 24456027.